The following is an entry in ClinVar:

ClinVar aggregate classification (germline): Uncertain significance (1 of 4 stars; one submission).

Allele frequency attached by ClinVar (database versions not stated): gnomAD exomes below 0.00001; TOPMed 0.00001.

Submission:

GeneDx
Classification: Uncertain significance. Last evaluated: 2026-02-13. Review status: criteria provided, single submitter. Criteria: GeneDx Variant Classification Process June 2021. Collection method: clinical testing. Allele origin: germline.
Comment: In silico analysis supports that this missense variant has a deleterious effect on protein structure/function; Has not been previously published as pathogenic or benign to our knowledge; Not observed at significant frequency in large population cohorts (gnomAD)

NM_016525.5(UBAP1):c.133T>G (p.Cys45Gly)

Gene: UBAP1 (ubiquitin associated protein 1; plus strand). Cytogenetic location: 9p13.3.
Variant type: single nucleotide variant.
Coding change: c.133T>G on transcript NM_016525.5 (MANE Select); coding-DNA position 133, T replaced by G.
Protein change: p.Cys45Gly; replaces cysteine 45 with glycine.
Molecular consequence: missense variant. On other transcripts: non-coding transcript variant (1), intron variant (1).
Genome position (GRCh38, 1-based): chr9:34,234,314, T>G. VCF-style: chr9-34234314-T-G. GRCh37 (hg19) VCF-style: chr9-34234312-T-G.
Other names: c.325T>G, p.Cys109Gly (NM_001171201.1); c.133T>G, p.Cys45Gly (NM_001171203.3, NM_001171204.3); c.268-6871T>G (NM_001171202.1); c.133T>G (NM_016525.4); short protein forms C45G, C109G.
Identifiers: ClinVar variation 1810497 (VCV001810497.2), dbSNP rs905132769, ClinGen allele CA192594894.